The following is an entry in ClinVar:

NM_001267550.2(TTN):c.83416C>G (p.Arg27806Gly)

Genes: TTN (titin; minus strand), TTN-AS1 (TTN antisense RNA 1; plus strand). Cytogenetic location: 2q31.2.
Variant type: single nucleotide variant.
Coding change: c.83416C>G on transcript NM_001267550.2 (MANE Select); coding-DNA position 83416, C replaced by G.
Protein change: p.Arg27806Gly; replaces arginine 27806 with glycine.
Molecular consequence: missense variant.
Genome position (GRCh38, 1-based): chr2:178,562,716, G>C on the plus strand (C>G on the coding strand, the complement: TTN is on the minus strand). VCF-style: chr2-178562716-G-C. GRCh37 (hg19) VCF-style: chr2-179427443-G-C.
Other names: c.78493C>G, p.Arg26165Gly (NM_001256850.1); c.56221C>G, p.Arg18741Gly (NM_003319.4); c.75712C>G, p.Arg25238Gly (NM_133378.4); c.56596C>G, p.Arg18866Gly (NM_133432.3); c.56797C>G, p.Arg18933Gly (NM_133437.4); short protein forms R27806G, R25238G, R18866G, R18933G, R26165G, R18741G.
Identifiers: ClinVar variation 332754 (VCV000332754.6), dbSNP rs886055237, ClinGen allele CA10613049.

ClinVar aggregate classification (germline): Uncertain significance. Review status: criteria provided, multiple submitters, no conflicts (2 of 4 stars). 6 submissions from 2 submitters: Uncertain significance (6). Last evaluated 2025-02-07.

Conditions:
Autosomal recessive limb-girdle muscular dystrophy type 2J (LGMDR10). Also called: Limb-girdle muscular dystrophy, type 2J; MUSCULAR DYSTROPHY, LIMB-GIRDLE, AUTOSOMAL RECESSIVE 10. Identifiers: Orphanet 140922, MedGen C1837342, MONDO:0012127, OMIM 608807.
Tibial muscular dystrophy (TMD). Also called: UDD MYOPATHY; Tibial muscular dystrophy, tardive; Udd Distal Myopathy – Tibial Muscular Dystrophy. Identifiers: Orphanet 609, MedGen C1838244, MONDO:0010870, OMIM 600334.
TTN-related disorder. Also called: TTN-related disorders; TTN-related condition; TTN-related disease.
Early-onset myopathy with fatal cardiomyopathy (CMYO5). Also called: Salih Myopathy; CONGENITAL MYOPATHY 5 WITH CARDIOMYOPATHY. Identifiers: Orphanet 289377, MedGen C2673677, MONDO:0012714, OMIM 611705. Disease mechanism: loss of function.
Myopathy, myofibrillar, 9, with early respiratory failure (MFM9). Also called: MYOPATHY, PROXIMAL, WITH EARLY RESPIRATORY MUSCLE INVOLVEMENT; Hereditary myopathy with early respiratory failure; Myopathy, distal, with early respiratory failure, autosomal dominant; EDSTROM MYOPATHY. Identifiers: Orphanet 178464, Orphanet 34521, MedGen C1863599, MONDO:0011362, OMIM 603689.
Dilated cardiomyopathy 1G (CMD1G). Identifiers: Orphanet 154, MedGen C1858763, MONDO:0011400, OMIM 604145.

Submissions (6):

PreventionGenetics, part of Exact Sciences
Classification: Uncertain significance for TTN-related condition. Last evaluated: 2025-02-07. Review status: criteria provided, single submitter. Criteria: ACMG Guidelines, 2015. Collection method: clinical testing. Allele origin: germline.
Comment: The TTN c.83416C>G variant is predicted to result in the amino acid substitution p.Arg27806Gly. To our knowledge, this variant has not been reported in the literature or in a large population database (gnomAD), indicating this variant is rare. At this time, the clinical significance of this variant is uncertain due to the absence of conclusive functional and genetic evidence.

Illumina Laboratory Services, Illumina
Classification: Uncertain significance for Tibial muscular dystrophy. Last evaluated: 2018-01-13. Review status: criteria provided, single submitter. Criteria: ICSL Variant Classification Criteria 13 December 2019. Collection method: clinical testing. Allele origin: germline.

Illumina Laboratory Services, Illumina
Classification: Uncertain significance for Dilated cardiomyopathy 1G. Last evaluated: 2018-01-13. Review status: criteria provided, single submitter. Criteria: ICSL Variant Classification Criteria 13 December 2019. Collection method: clinical testing. Allele origin: germline.

Illumina Laboratory Services, Illumina
Classification: Uncertain significance for Autosomal recessive limb-girdle muscular dystrophy type 2J. Last evaluated: 2018-01-13. Review status: criteria provided, single submitter. Criteria: ICSL Variant Classification Criteria 13 December 2019. Collection method: clinical testing. Allele origin: germline.

Illumina Laboratory Services, Illumina
Classification: Uncertain significance for Myopathy, myofibrillar, 9, with early respiratory failure. Last evaluated: 2018-01-13. Review status: criteria provided, single submitter. Criteria: ICSL Variant Classification Criteria 13 December 2019. Collection method: clinical testing. Allele origin: germline.

Illumina Laboratory Services, Illumina
Classification: Uncertain significance for Early-onset myopathy with fatal cardiomyopathy. Last evaluated: 2018-01-13. Review status: criteria provided, single submitter. Criteria: ICSL Variant Classification Criteria 13 December 2019. Collection method: clinical testing. Allele origin: germline.